The following is an entry in ClinVar:

ClinVar aggregate classification (germline): Uncertain significance (1 of 4 stars; one submission).

Allele frequency attached by ClinVar (database versions not stated): TOPMed below 0.00001; gnomAD 0.00001.
gnomAD v4.1: 1 of 1,613,784 alleles (0.000062%); highest among the groups gnomAD compares: Non-Finnish European, 0.000085%; no homozygotes.

Submission:

Ambry Genetics
Classification: Uncertain significance. Last evaluated: 2023-11-03. Review status: criteria provided, single submitter. Criteria: Ambry Variant Classification Scheme 2023. Collection method: clinical testing. Allele origin: germline.
Comment: The p.D639N variant (also known as c.1915G>A), located in coding exon 17 of the BUB1 gene, results from a G to A substitution at nucleotide position 1915. The aspartic acid at codon 639 is replaced by asparagine, an amino acid with highly similar properties. This amino acid position is conserved. In addition, this alteration is predicted to be tolerated by in silico analysis. Since supporting evidence is limited at this time, the clinical significance of this alteration remains unclear.

NM_004336.5(BUB1):c.1915G>A (p.Asp639Asn)

Gene: BUB1 (BUB1 mitotic checkpoint serine/threonine kinase; minus strand). Cytogenetic location: 2q13.
Variant type: single nucleotide variant.
Coding change: c.1915G>A on transcript NM_004336.5 (MANE Select); coding-DNA position 1915, G replaced by A.
Protein change: p.Asp639Asn; replaces aspartic acid 639 with asparagine.
Molecular consequence: missense variant.
Genome position (GRCh38, 1-based): chr2:110,653,485, C>T on the plus strand (G>A on the coding strand, the complement: BUB1 is on the minus strand). VCF-style: chr2-110653485-C-T. GRCh37 (hg19) VCF-style: chr2-111411062-C-T.
Other names: c.1855G>A, p.Asp619Asn (NM_001278616.2); c.1915G>A, p.Asp639Asn (NM_001278617.2); short protein forms D619N, D639N.
Identifiers: ClinVar variation 3224023 (VCV003224023.1), dbSNP rs1402740792, ClinGen allele CA348210324.
Genomic context (GRCh38, chr2:110,653,485, plus strand): 5'-CCTCACAATACCTGAATTTTCCATCCCTTGAAGGCACCACCATGTTTTCCTCACAAGAAT[C>T]CAAAGTCGCCTGGGTACACTGTTTTGCTACCACATTTTCTGAAAGATTCAAAAATTAGAG-3'
Protein context (NP_004327.1, residues 629-649): VAKQCTQATL[Asp639Asn]SCEENMVVPS